The following is an entry in ClinVar:

NM_004415.4(DSP):c.5032G>A (p.Ala1678Thr)

Gene: DSP (desmoplakin; plus strand). Cytogenetic location: 6p24.3.
Variant type: single nucleotide variant.
Coding change: c.5032G>A on transcript NM_004415.4 (MANE Select); coding-DNA position 5032, G replaced by A.
Protein change: p.Ala1678Thr; replaces alanine 1678 with threonine.
Molecular consequence: missense variant. On other transcripts: intron variant (2).
Genome position (GRCh38, 1-based): chr6:7,581,222, G>A. VCF-style: chr6-7581222-G-A. GRCh37 (hg19) VCF-style: chr6-7581455-G-A.
Other names: c.4050+982G>A (NM_001319034.2); c.3583-1420G>A (NM_001008844.3); short protein forms A1678T.
Identifiers: ClinVar variation 918874 (VCV000918874.3), dbSNP rs1759429339, ClinGen allele CA362687691.

ClinVar aggregate classification (germline): Uncertain significance (1 of 4 stars; one submission).

Conditions:
Cardiomyopathy (CMYO). Also called: Cardiomyopathies. Identifiers: Orphanet 167848, MedGen C0878544, MONDO:0004994, HP:0001638. Inheritance: Various modes of inheritance.

Allele frequency attached by ClinVar (database versions not stated): gnomAD exomes below 0.00001.
gnomAD v4.1: 2 of 1,614,154 alleles (0.00012%); highest among the groups gnomAD compares: Non-Finnish European, 0.00017%; no homozygotes.

Submission:

Color Diagnostics, LLC DBA Color Health
Classification: Uncertain significance for Cardiomyopathy. Last evaluated: 2019-09-16. Review status: criteria provided, single submitter. Criteria: ACMG Guidelines, 2015. Collection method: clinical testing. Allele origin: germline.
Comment: This missense variant replaces alanine with threonine at codon 1678 of the DSP protein. Computational prediction tool suggests that this variant may not impact protein structure and function (internally defined REVEL score threshold ≤0.5, PMID: 27666373). Splice site prediction tools suggest that this variant may not impact RNA splicing. To our knowledge, functional studies have not been performed for this variant. This variant has not been reported in individuals affected with cardiovascular disorders in the literature. This variant has not been identified in the general population by the Genome Aggregation Database (gnomAD). The available evidence is insufficient to determine the role of this variant in disease conclusively. Therefore, this variant is classified as a Variant of Uncertain Significance.